The following is an entry in ClinVar:

NM_004369.4(COL6A3):c.4417_4418delinsAA (p.Val1473Lys)

Gene: COL6A3 (collagen type VI alpha 3 chain; minus strand). Cytogenetic location: 2q37.3.
Variant type: Indel.
Coding change: c.4417_4418delinsAA on transcript NM_004369.4 (MANE Select); coding-DNA positions 4417 to 4418, GT replaced by AA.
Protein change: p.Val1473Lys; replaces valine 1473 with lysine.
Molecular consequence: missense variant.
Genome position (GRCh38, 1-based): chr2:237,369,045-237,369,046, AC replaced by TT on the plus strand (GT replaced by AA on the coding strand, the reverse complement: COL6A3 is on the minus strand). VCF-style: chr2-237369045-AC-TT. GRCh37 (hg19) VCF-style: chr2-238277688-AC-TT.
Other names: c.2596_2597delinsAA, p.Val866Lys (NM_057166.5); c.3799_3800delinsAA, p.Val1267Lys (NM_057167.4); short protein forms V1267K, V1473K, V866K.
Identifiers: ClinVar variation 1483898 (VCV001483898.6), dbSNP rs2106353213, ClinGen allele CA2573135590.

ClinVar aggregate classification (germline): Uncertain significance (1 of 4 stars; one submission).

Conditions:
Bethlem myopathy 1A. Also called: Bethlem myopathy 1; Bethlem Muscular Dystrophy; MYOPATHY, BENIGN CONGENITAL, WITH CONTRACTURES. Identifiers: Orphanet 610, MedGen CN029274, MONDO:0024530, OMIM 158810.

Submission:

Labcorp Genetics (formerly Invitae), Labcorp
Classification: Uncertain significance for Bethlem myopathy 1A. Last evaluated: 2025-12-17. Review status: criteria provided, single submitter. Criteria: Invitae Variant Classification Sherloc (09022015). Collection method: clinical testing. Allele origin: germline.
Comment: This sequence change replaces valine, which is neutral and non-polar, with lysine, which is basic and polar, at codon 1473 of the COL6A3 protein (p.Val1473Lys). This variant is present in population databases (no rsID available, gnomAD 0.0004%). This variant has not been reported in the literature in individuals affected with COL6A3-related conditions. ClinVar contains an entry for this variant (Variation ID: 1483898). An algorithm developed to predict the effect of missense changes on protein structure and function (PolyPhen-2) suggests that this variant is likely to be disruptive. In summary, the available evidence is currently insufficient to determine the role of this variant in disease. Therefore, it has been classified as a Variant of Uncertain Significance.